The following is an entry in ClinVar:

NM_022552.5(DNMT3A):c.1310C>T (p.Thr437Met)

Gene: DNMT3A (DNA methyltransferase 3 alpha; minus strand). Cytogenetic location: 2p23.3.
Variant type: single nucleotide variant.
Coding change: c.1310C>T on transcript NM_022552.5 (MANE Select); coding-DNA position 1310, C replaced by T.
Protein change: p.Thr437Met; replaces threonine 437 with methionine.
Molecular consequence: missense variant. On other transcripts: non-coding transcript variant (1).
Genome position (GRCh38, 1-based): chr2:25,246,279, G>A on the plus strand (C>T on the coding strand, the complement: DNMT3A is on the minus strand). VCF-style: chr2-25246279-G-A. GRCh37 (hg19) VCF-style: chr2-25469148-G-A.
Other names: c.854C>T, p.Thr285Met (NM_001320893.1); c.641C>T, p.Thr214Met (NM_001375819.1); c.743C>T, p.Thr248Met (NM_153759.3); c.1310C>T, p.Thr437Met (NM_175629.2); short protein forms T437M, T248M, T214M, T285M.
Identifiers: ClinVar variation 2157175 (VCV002157175.5), dbSNP rs370379375, ClinGen allele CA1556070.

ClinVar aggregate classification (germline): Uncertain significance. Review status: criteria provided, single submitter (1 of 4 stars). 2 submissions from 2 submitters: Uncertain significance (1). 1 of the submissions does not count toward it. Last evaluated 2025-03-17.

Conditions:
DNMT3A-related disorder. Also called: DNMT3A-related disorders; DNMT3A-related condition.
Tatton-Brown-Rahman overgrowth syndrome. Also called: Tatton-Brown-Rahman syndrome; Tall stature-intellectual disability-facial dysmorphism syndrome. Identifiers: Orphanet 404443, MedGen C4014545, MONDO:0014382, OMIM 615879.

Allele frequency attached by ClinVar (database versions not stated): ExAC 0.00002; gnomAD exomes 0.00002; TOPMed 0.00002; gnomAD 0.00004; ESP Exome Variant Server 0.00008.
gnomAD v4.1: 36 of 1,612,960 alleles (0.0022%); highest among the groups gnomAD compares: South Asian, 0.0066%; no homozygotes.

Submissions (2):

Labcorp Genetics (formerly Invitae), Labcorp
Classification: Uncertain significance for Tatton-Brown-Rahman overgrowth syndrome. Last evaluated: 2025-03-17. Review status: criteria provided, single submitter. Criteria: Invitae Variant Classification Sherloc (09022015). Collection method: clinical testing. Allele origin: germline.
Comment: This sequence change replaces threonine, which is neutral and polar, with methionine, which is neutral and non-polar, at codon 437 of the DNMT3A protein (p.Thr437Met). This variant is present in population databases (rs370379375, gnomAD 0.007%). This variant has not been reported in the literature in individuals affected with DNMT3A-related conditions. ClinVar contains an entry for this variant (Variation ID: 2157175). Invitae Evidence Modeling of protein sequence and biophysical properties (such as structural, functional, and spatial information, amino acid conservation, physicochemical variation, residue mobility, and thermodynamic stability) indicates that this missense variant is not expected to disrupt DNMT3A protein function with a negative predictive value of 95%. In summary, the available evidence is currently insufficient to determine the role of this variant in disease. Therefore, it has been classified as a Variant of Uncertain Significance.

PreventionGenetics, part of Exact Sciences
Classification: Uncertain significance for DNMT3A-related condition. Last evaluated: 2024-01-13. Review status: no assertion criteria provided. Collection method: clinical testing. Allele origin: germline. Not counted in ClinVar's aggregate classification.
Comment: The DNMT3A c.1310C>T variant is predicted to result in the amino acid substitution p.Thr437Met. To our knowledge, this variant has not been reported in individuals with DNMT3A-related condition. This variant is reported in 0.0050% of alleles in individuals of East Asian descent in gnomAD. At this time, the clinical significance of this variant is uncertain due to the absence of conclusive functional and genetic evidence.